The following is an entry in ClinVar:

ClinVar aggregate classification (germline): Pathogenic. Review status: reviewed by expert panel (3 of 4 stars). 12 submissions from 12 submitters: Pathogenic (1). 11 of the submissions do not count toward it. Last evaluated 2025-06-19.

Conditions:
ATM-related cancer predisposition. Also called: ATM-related cancer susceptibility. Identifiers: MedGen CN377759, MONDO:0700270.
Familial cancer of breast. Also called: Hereditary breast cancer; BREAST CANCER, FAMILIAL; hereditary breast carcinoma. Identifiers: Orphanet 227535, MedGen C0346153, MONDO:0016419, OMIM 114480. Disease mechanism: loss of function.
Ataxia-telangiectasia syndrome (AT). Also called: LOUIS-BAR SYNDROME; Cerebello-oculocutaneous telangiectasia; Immunodeficiency with ataxia telangiectasia; Ataxia-telangiectasia, complementation group D; AT, COMPLEMENTATION GROUP C; Ataxia-telangiectasia, complementation group E. Identifiers: Orphanet 100, MedGen C0004135, MONDO:0008840, OMIM 208900.
Hereditary cancer-predisposing syndrome. Also called: Neoplastic Syndromes, Hereditary; Hereditary Cancer Syndrome; Tumor predisposition; Hereditary neoplastic syndrome. Identifiers: Orphanet 140162, MedGen C0027672, MeSH D009386, MONDO:0015356.

Allele frequency attached by ClinVar (database versions not stated): gnomAD 0.00001.
gnomAD v4.1: 1 of 1,613,346 alleles (0.000062%); highest among the groups gnomAD compares: Admixed American, 0.0017%; no homozygotes.

Submissions (12):

ClinGen Hereditary Breast, Ovarian and Pancreatic Cancer Variant Curation Expert Panel, ClinGen
Classification: Pathogenic for ATM-related cancer predisposition. Last evaluated: 2025-06-19. Review status: reviewed by expert panel. Criteria: ClinGen HBOP ACMG Specifications ATM V1.3.0. Collection method: curation. Allele origin: germline. Inheritance: Autosomal dominant inheritance.
Comment: The c.6658C>T (p.Gln2220*) variant in ATM is a nonsense variant predicted to cause a premature stop codon in biologically-relevant-exon leading to nonsense mediated decay in a gene in which loss-of-function is an established disease mechanism. This alteration results in a termination codon upstream of the most C-terminus pathogenic alteration (ATM p.Arg3047*), as classified by the HBOP VCEP, and is expected to be more deleterious. This variant has been detected in at least three unrelated individuals with Ataxia-Telangiectasia (PMIDs: 26896183, 32095276, 35095854). The highest population minor allele frequency in gnomAD v4.1.0 is 0.00001668 in the Admixed American population; while this is higher than the HBOP threshold (≤0.00001) for PM2_Supporting, it is present in only one allele, meeting this criterion (PM2_Supporting). In summary, this variant meets the criteria to be classified as pathogenic for autosomal dominant ATM-related cancer predisposition and autosomal recessive Ataxia-Telangiectasia based on the ACMG/AMP criteria applied as specified by the HBOP VCEP. (PVS1, PM5_Supporting, PM3_VeryStrong, PM2_Supporting)

Labcorp Genetics (formerly Invitae), Labcorp
Classification: Pathogenic for Ataxia-telangiectasia syndrome. Last evaluated: 2025-06-11. Review status: criteria provided, single submitter. Criteria: Invitae Variant Classification Sherloc (09022015). Collection method: clinical testing. Allele origin: germline. Not counted in ClinVar's aggregate classification.
Comment: This sequence change creates a premature translational stop signal (p.Gln2220*) in the ATM gene. It is expected to result in an absent or disrupted protein product. Loss-of-function variants in ATM are known to be pathogenic (PMID: 23807571, 25614872). This variant is not present in population databases (gnomAD no frequency). This premature translational stop signal has been observed in individual(s) with ataxia-telangiectasia (PMID: 26896183, 32095276). ClinVar contains an entry for this variant (Variation ID: 407464). For these reasons, this variant has been classified as Pathogenic.

3billion
Classification: Pathogenic for Ataxia-telangiectasia syndrome. Last evaluated: 2025-05-02. Review status: criteria provided, single submitter. Criteria: ACMG Guidelines, 2015. Collection method: clinical testing. Allele origin: germline. Affected: yes. Not counted in ClinVar's aggregate classification.
Comment: The variant is observed at an extremely low frequency in the gnomAD v4.1.0 dataset (total allele frequency: <0.001%). Predicted Consequence/Location: Stop-gained (nonsense): predicted to result in a loss or disruption of normal protein function through nonsense-mediated decay (NMD) or protein truncation. Multiple pathogenic variants are reported downstream of the variant. The variant has been reported at least twice as pathogenic with clinical assertions and evidence for the classification (ClinVar ID: VCV000407464 /PMID: 32095276). Therefore, this variant is classified as Pathogenic according to the recommendation of ACMG/AMP guideline.

Color Diagnostics, LLC DBA Color Health
Classification: Pathogenic for Hereditary cancer-predisposing syndrome. Last evaluated: 2025-04-15. Review status: criteria provided, single submitter. Criteria: ACMG Guidelines, 2015. Collection method: clinical testing. Allele origin: germline. Not counted in ClinVar's aggregate classification.
Comment: This variant changes 1 nucleotide in exon 46 of the ATM gene, creating a premature translation stop signal. This variant is expected to result in an absent or non-functional protein product. This variant has been observed in biallelic individuals affected with ataxia-telangiectasia (PMID: 32095276, 33547824). This variant has not been identified in the general population by the Genome Aggregation Database (gnomAD). Loss of ATM function is a known mechanism of disease. Based on the available evidence, this variant is classified as Pathogenic.

Fulgent Genetics
Classification: Pathogenic for Familial cancer of breast; Ataxia-telangiectasia syndrome. Last evaluated: 2024-04-06. Review status: criteria provided, single submitter. Criteria: ACMG Guidelines, 2015. Collection method: clinical testing. Allele origin: germline. Not counted in ClinVar's aggregate classification.

Myriad Genetics, Inc.
Classification: Pathogenic for Familial cancer of breast. Last evaluated: 2024-01-30. Review status: criteria provided, single submitter. Criteria: Myriad Autosomal Dominant, Autosomal Recessive and X-Linked Classification Criteria (2023). Collection method: clinical testing. Allele origin: unknown. Not counted in ClinVar's aggregate classification.
Comment: This variant is considered pathogenic. This variant creates a termination codon and is predicted to result in premature protein truncation.

Baylor Genetics
Classification: Pathogenic for Familial cancer of breast. Last evaluated: 2023-08-31. Review status: criteria provided, single submitter. Criteria: ACMG Guidelines, 2015. Collection method: clinical testing. Allele origin: unknown. Not counted in ClinVar's aggregate classification.

Ambry Genetics
Classification: Pathogenic for Hereditary cancer-predisposing syndrome. Last evaluated: 2022-12-05. Review status: criteria provided, single submitter. Criteria: Ambry Variant Classification Scheme 2023. Collection method: clinical testing. Allele origin: germline. Not counted in ClinVar's aggregate classification.
Comment: The p.Q2220* pathogenic mutation (also known as c.6658C>T), located in coding exon 45 of the ATM gene, results from a C to T substitution at nucleotide position 6658. This changes the amino acid from a glutamine to a stop codon within coding exon 45. This alteration is expected to result in loss of function by premature protein truncation or nonsense-mediated mRNA decay. As such, this alteration is interpreted as a disease-causing mutation.

CeGaT Center for Human Genetics Tuebingen
Classification: Pathogenic. Last evaluated: 2019-06-01. Review status: criteria provided, single submitter. Criteria: CeGaT Center For Human Genetics Tuebingen Variant Classification Criteria Version 2. Collection method: clinical testing. Allele origin: germline. Affected: yes. Observed: 3 variant alleles. Not counted in ClinVar's aggregate classification.

BRCAlab, Lund University
Classification: Pathogenic for Familial cancer of breast. Last evaluated: 2022-08-26. Review status: no assertion criteria provided. Collection method: clinical testing. Allele origin: germline. Affected: yes. Not counted in ClinVar's aggregate classification.

Natera, Inc.
Classification: Pathogenic for Ataxia-telangiectasia. Last evaluated: 2021-04-07. Review status: no assertion criteria provided. Collection method: clinical testing. Allele origin: germline. Not counted in ClinVar's aggregate classification.

Immunology, Asthma and Allergy Research Institute, Tehran University of Medical Sciences
Classification: Pathogenic for Ataxia-telangiectasia syndrome. Review status: no assertion criteria provided. Collection method: research. Allele origin: inherited. Affected: yes. Not counted in ClinVar's aggregate classification.

Literature cited by the submitters: PubMed 23807571 (cited by Labcorp Genetics (formerly Invitae), Labcorp); PubMed 25614872 (cited by Labcorp Genetics (formerly Invitae), Labcorp and Immunology, Asthma and Allergy Research Institute, Tehran University of Medical Sciences); PubMed 26896183 (cited by Labcorp Genetics (formerly Invitae), Labcorp); PubMed 32095276 (cited by 3 submitters); PubMed 33547824 (cited by Color Diagnostics, LLC DBA Color Health).

NM_000051.4(ATM):c.6658C>T (p.Gln2220Ter)

Genes: ATM (ATM serine/threonine kinase; plus strand), C11orf65 (chromosome 11 open reading frame 65; minus strand). Cytogenetic location: 11q22.3.
Variant type: single nucleotide variant.
Coding change: c.6658C>T on transcript NM_000051.4 (MANE Select); coding-DNA position 6658, C replaced by T.
Protein change: p.Gln2220Ter; replaces glutamine 2220 with a stop codon.
Molecular consequence: nonsense. On other transcripts: intron variant (2).
Genome position (GRCh38, 1-based): chr11:108,325,395, C>T. VCF-style: chr11-108325395-C-T. GRCh37 (hg19) VCF-style: chr11-108196122-C-T.
Other names: NM_000051.4(ATM):c.6658C>T; p.Gln2220Ter; c.6658C>T, p.Gln2220Ter (NM_001351834.2); c.641-16324G>A (NM_001330368.2); c.*38+9825G>A (NM_001351110.2); short protein forms Q2220*.
Identifiers: ClinVar variation 407464 (VCV000407464.103), dbSNP rs1060501536, ClinGen allele CA16613190.